The following is an entry in ClinVar:

NM_201384.3(PLEC):c.2982G>A (p.Leu994=)

Gene: PLEC (plectin; minus strand). Cytogenetic location: 8q24.3.
Variant type: single nucleotide variant.
Coding change: c.2982G>A on transcript NM_201384.3 (MANE Select); coding-DNA position 2982, G replaced by A.
Protein change: p.Leu994=; no amino-acid change (leucine 994 retained).
Molecular consequence: synonymous variant.
Genome position (GRCh38, 1-based): chr8:143,929,513, C>T on the plus strand (G>A on the coding strand, the complement: PLEC is on the minus strand). VCF-style: chr8-143929513-C-T. GRCh37 (hg19) VCF-style: chr8-145003681-C-T.
Other names: c.3063G>A, p.Leu1021= (NM_000445.5, NM_001410941.1); c.2940G>A, p.Leu980= (NM_201378.4); c.2916G>A, p.Leu972= (NM_201379.3); c.3393G>A, p.Leu1131= (NM_201380.4); c.2886G>A, p.Leu962= (NM_201381.3); c.2982G>A, p.Leu994= (NM_201382.4); c.2994G>A, p.Leu998= (NM_201383.3).
Identifiers: ClinVar variation 3758312 (VCV003758312.3).

ClinVar aggregate classification (germline): Likely benign. Review status: criteria provided, multiple submitters, no conflicts (2 of 4 stars). 2 submissions from 2 submitters: Likely benign (2). Last evaluated 2026-09-01.

Conditions:
Epidermolysis bullosa simplex, Ogna type (EBS5A). Also called: Pidermolysis bullosa simplex 5A, Ogna type; EPIDERMOLYSIS BULLOSA SIMPLEX 5A, OGNA TYPE. Identifiers: Orphanet 79401, MedGen C0432317, MONDO:0007555, OMIM 131950.
Autosomal recessive limb-girdle muscular dystrophy type 2Q (LGMDR17). Also called: MUSCULAR DYSTROPHY, LIMB-GIRDLE, AUTOSOMAL RECESSIVE 17. Identifiers: Orphanet 254361, MedGen C3150989, MONDO:0013390, OMIM 613723.
Epidermolysis bullosa simplex 5B, with muscular dystrophy (EBS5B). Also called: Epidermolysis bullosa simplex with muscular dystrophy; EPIDERMOLYSIS BULLOSA SIMPLEX AND LIMB-GIRDLE MUSCULAR DYSTROPHY. Identifiers: Orphanet 257, MedGen C2931072, MONDO:0009181, OMIM 226670.
Epidermolysis bullosa simplex 5C, with pyloric atresia (EBS5C). Also called: PLEC-Related Epidermolysis Bullosa with Pyloric Atresia; Epidermolysis bullosa simplex with pyloric atresia; PLEC1-Related Epidermolysis Bullosa with Pyloric Atresia. Identifiers: Orphanet 158684, MedGen C2677349, MONDO:0012807, OMIM 612138.
Epidermolysis bullosa simplex with nail dystrophy (EBS5D). Identifiers: MedGen C4225309, MONDO:0014661, OMIM 616487.

gnomAD v4.1: 45 of 1,612,298 alleles (0.0028%); highest among the groups gnomAD compares: Non-Finnish European, 0.0036%; no homozygotes.

Submissions (2):

CeGaT Center for Human Genetics Tuebingen
Classification: Likely benign. Last evaluated: 2026-09-01. Review status: criteria provided, single submitter. Criteria: CeGaT Center For Human Genetics Tuebingen Variant Classification Criteria Version 2. Collection method: clinical testing. Allele origin: germline. Affected: yes. Observed: 1 variant allele.
Comment: PLEC: BP4, BP7

Labcorp Genetics (formerly Invitae), Labcorp
Classification: Likely benign for Autosomal recessive limb-girdle muscular dystrophy type 2Q; Epidermolysis bullosa simplex, Ogna type; Epidermolysis bullosa simplex with nail dystrophy; Epidermolysis bullosa simplex 5C, with pyloric atresia; Epidermolysis bullosa simplex 5B, with muscular dystrophy. Last evaluated: 2024-11-03. Review status: criteria provided, single submitter. Criteria: Invitae Variant Classification Sherloc (09022015). Collection method: clinical testing. Allele origin: germline.